The following is an entry in ClinVar:

NM_001065.4(TNFRSF1A):c.40-1092C>T

Gene: TNFRSF1A (TNF receptor superfamily member 1A; minus strand). Cytogenetic location: 12p13.31.
Variant type: single nucleotide variant.
Coding change: c.40-1092C>T on transcript NM_001065.4 (MANE Select); 1092 bases into the intron before coding-DNA position 40, C replaced by T.
Molecular consequence: intron variant.
Genome position (GRCh38, 1-based): chr12:6,335,336, G>A on the plus strand (C>T on the coding strand, the complement: TNFRSF1A is on the minus strand). VCF-style: chr12-6335336-G-A. GRCh37 (hg19) VCF-style: chr12-6444502-G-A.
Other names: c.-131-1471C>T (NM_001346091.2); c.-538-1092C>T (NM_001346092.2).
Identifiers: ClinVar variation 1710389 (VCV001710389.3), dbSNP rs2497803962, ClinGen allele CA2580086254.

ClinVar aggregate classification (germline): Uncertain significance (1 of 4 stars; one submission).

Submission:

Greenwood Genetic Center Diagnostic Laboratories, Greenwood Genetic Center
Classification: Uncertain significance. Last evaluated: 2022-09-01. Review status: criteria provided, single submitter. Criteria: ACMG Guidelines, 2015. Collection method: clinical testing. Allele origin: germline. Affected: yes.
Comment: PM2, BP4